The following is an entry in ClinVar:

NM_022089.4(ATP13A2):c.2116C>T (p.Gln706Ter)

Gene: ATP13A2 (ATPase cation transporting 13A2; minus strand). Cytogenetic location: 1p36.13.
Variant type: single nucleotide variant.
Coding change: c.2116C>T on transcript NM_022089.4 (MANE Select); coding-DNA position 2116, C replaced by T.
Protein change: p.Gln706Ter; replaces glutamine 706 with a stop codon.
Molecular consequence: nonsense.
Genome position (GRCh38, 1-based): chr1:16,992,019, G>A on the plus strand (C>T on the coding strand, the complement: ATP13A2 is on the minus strand). VCF-style: chr1-16992019-G-A. GRCh37 (hg19) VCF-style: chr1-17318514-G-A.
Other names: c.2101C>T, p.Gln701Ter (NM_001141973.3, NM_001141974.3); short protein forms Q701*, Q706*.
Identifiers: ClinVar variation 1176183 (VCV001176183.38), dbSNP rs2076949269, ClinGen allele CA338244150.

ClinVar aggregate classification (germline): Pathogenic/Likely pathogenic. Review status: criteria provided, multiple submitters, no conflicts (2 of 4 stars). 2 submissions from 2 submitters: Pathogenic (1); Likely pathogenic (1). Last evaluated 2022-12-27.

Conditions:
Kufor-Rakeb syndrome (KRS). Also called: PARKINSON DISEASE 9, AUTOSOMAL RECESSIVE, JUVENILE-ONSET. Identifiers: Orphanet 306674, Orphanet 314632, MedGen C1847640, MONDO:0011706, OMIM 606693.
Autosomal recessive spastic paraplegia type 78. Identifiers: Orphanet 513436, MedGen C5567893, MONDO:0014975, OMIM 617225.

Allele frequency attached by ClinVar (database versions not stated): gnomAD exomes below 0.00001; gnomAD 0.00001; TOPMed 0.00001.
gnomAD v4.1: 3 of 1,612,696 alleles (0.00019%); highest among the groups gnomAD compares: Non-Finnish European, 0.00025%; no homozygotes.

Submissions (2):

Labcorp Genetics (formerly Invitae), Labcorp
Classification: Pathogenic for Kufor-Rakeb syndrome; Autosomal recessive spastic paraplegia type 78. Last evaluated: 2022-12-27. Review status: criteria provided, single submitter. Criteria: Invitae Variant Classification Sherloc (09022015). Collection method: clinical testing. Allele origin: germline.
Comment: For these reasons, this variant has been classified as Pathogenic. ClinVar contains an entry for this variant (Variation ID: 1176183). This variant has not been reported in the literature in individuals affected with ATP13A2-related conditions. This variant is not present in population databases (gnomAD no frequency). This sequence change creates a premature translational stop signal (p.Gln706*) in the ATP13A2 gene. It is expected to result in an absent or disrupted protein product. Loss-of-function variants in ATP13A2 are known to be pathogenic (PMID: 16964263, 21696388).

CeGaT Center for Human Genetics Tuebingen
Classification: Likely pathogenic. Last evaluated: 2021-06-01. Review status: criteria provided, single submitter. Criteria: CeGaT Center For Human Genetics Tuebingen Variant Classification Criteria Version 2. Collection method: clinical testing. Allele origin: germline. Affected: yes. Observed: 1 variant allele.

Literature cited by the submitters: PubMed 16964263 (cited by Labcorp Genetics (formerly Invitae), Labcorp); PubMed 21696388 (cited by Labcorp Genetics (formerly Invitae), Labcorp).